The following is an entry in ClinVar:

ClinVar aggregate classification (germline): Uncertain significance (1 of 4 stars; one submission).

Allele frequency attached by ClinVar (database versions not stated): gnomAD 0.00001; TOPMed 0.00001.

Submission:

Labcorp Genetics (formerly Invitae), Labcorp
Classification: Uncertain significance. Last evaluated: 2022-05-21. Review status: criteria provided, single submitter. Criteria: Invitae Variant Classification Sherloc (09022015). Collection method: clinical testing. Allele origin: germline.
Comment: Experimental studies and prediction algorithms are not available or were not evaluated, and the functional significance of this variant is currently unknown. This variant has not been reported in the literature in individuals affected with SIAE-related conditions. This variant is present in population databases (rs775261027, gnomAD 0.02%). This sequence change affects the initiator methionine of the SIAE mRNA. The next in-frame methionine is located at codon 36. In summary, the available evidence is currently insufficient to determine the role of this variant in disease. Therefore, it has been classified as a Variant of Uncertain Significance.

NM_170601.5(SIAE):c.2T>C (p.Met1Thr)

Gene: SIAE (sialic acid acetylesterase; minus strand). Cytogenetic location: 11q24.2.
Variant type: single nucleotide variant.
Coding change: c.2T>C on transcript NM_170601.5 (MANE Select); coding-DNA position 2, T replaced by C.
Protein change: p.Met1Thr; changes the start codon (methionine 1).
Molecular consequence: missense variant, initiator codon variant. On other transcripts: intron variant (1).
Genome position (GRCh38, 1-based): chr11:124,673,707, A>G on the plus strand (T>C on the coding strand, the complement: SIAE is on the minus strand). VCF-style: chr11-124673707-A-G. GRCh37 (hg19) VCF-style: chr11-124543603-A-G.
Other names: c.-39+1551T>C (NM_001199922.2); short protein forms M1T.
Identifiers: ClinVar variation 1936587 (VCV001936587.6), dbSNP rs775261027, ClinGen allele CA6341698.
Genomic context (GRCh38, chr11:124,673,707, plus strand): 5'-CTTCTGTCGGCCCACAGGATTAATGGCAGCACCAGCCCGAGTACAAGCCCCGGCGCGACC[A>G]TGCTTGCAAGGATCTGACCGCCGCCTAGGACTGGGAAAGTGGGTTCCCGGCAGGGGCGGG-3'
Protein context (NP_733746.1, residues 1-11): [Met1Thr]VAPGLVLGLV